The following is an entry in ClinVar:

NM_000238.4(KCNH2):c.2634G>T (p.Glu878Asp)

Gene: KCNH2 (potassium voltage-gated channel subfamily H member 2; minus strand). Cytogenetic location: 7q36.1.
Variant type: single nucleotide variant.
Coding change: c.2634G>T on transcript NM_000238.4 (MANE Select); coding-DNA position 2634, G replaced by T.
Protein change: p.Glu878Asp; replaces glutamic acid 878 with aspartic acid.
Molecular consequence: missense variant.
Genome position (GRCh38, 1-based): chr7:150,948,502, C>A on the plus strand (G>T on the coding strand, the complement: KCNH2 is on the minus strand). VCF-style: chr7-150948502-C-A. GRCh37 (hg19) VCF-style: chr7-150645590-C-A.
Other names: c.1614G>T, p.Glu538Asp (NM_172057.3); short protein forms E538D, E878D.
Identifiers: ClinVar variation 1304037 (VCV001304037.7), dbSNP rs1463041004, ClinGen allele CA369853794.
Genomic context (GRCh38, chr7:150,948,502, plus strand): 5'-ACCCTTGTCCGTGCGCCTGCGGAAGGACAACTTGCGCTTGCGTTGCCGACTGAAGCCACC[C>A]TCTAACTCCGTACTGCCGGGGGAGCCCGGGATCATGTTGGTCTGGAACCAAAATCAGTAT-3'
Protein context (NP_000229.1, residues 868-888): IPGSPGSTEL[Glu878Asp]GGFSRQRKRK

ClinVar aggregate classification (germline): Uncertain significance. Review status: criteria provided, multiple submitters, no conflicts (2 of 4 stars). 3 submissions from 3 submitters: Uncertain significance (3). Last evaluated 2025-11-06.

Conditions:
Long QT syndrome (LQTS). Identifiers: MedGen C0023976, MeSH D008133, MONDO:0002442. Disease mechanism: loss of function. Inheritance: Various modes of inheritance.
Cardiac arrhythmia. Also called: Arrhythmia; Cardiac rhythm disease. Identifiers: MedGen C0003811, MONDO:0007263, HP:0011675.

Allele frequency attached by ClinVar (database versions not stated): gnomAD exomes below 0.00001.

Submissions (3):

Labcorp Genetics (formerly Invitae), Labcorp
Classification: Uncertain significance for Long QT syndrome. Last evaluated: 2025-11-06. Review status: criteria provided, single submitter. Criteria: Invitae Variant Classification Sherloc (09022015). Collection method: clinical testing. Allele origin: germline.
Comment: This sequence change replaces glutamic acid, which is acidic and polar, with aspartic acid, which is acidic and polar, at codon 878 of the KCNH2 protein (p.Glu878Asp). This variant is present in population databases (no rsID available, gnomAD 0.0009%). This variant has not been reported in the literature in individuals affected with KCNH2-related conditions. ClinVar contains an entry for this variant (Variation ID: 1304037). An algorithm developed to predict the effect of missense changes on protein structure and function outputs the following: PolyPhen-2: "Benign". The aspartic acid amino acid residue is found in multiple mammalian species, which suggests that this missense change does not adversely affect protein function. In summary, the available evidence is currently insufficient to determine the role of this variant in disease. Therefore, it has been classified as a Variant of Uncertain Significance.

Color Diagnostics, LLC DBA Color Health
Classification: Uncertain significance for Cardiac arrhythmia. Last evaluated: 2025-08-25. Review status: criteria provided, single submitter. Criteria: ACMG Guidelines, 2015. Collection method: clinical testing. Allele origin: germline.
Comment: This missense variant replaces glutamic acid with aspartic acid at codon 878 of the KCNH2 protein. Computational prediction suggests that this variant may not impact protein structure and function. To our knowledge, functional studies have not been reported for this variant. This variant has not been reported in individuals affected with KCNH2-related disorders in the literature. This variant has been identified in 1/250546 chromosomes in the general population by the Genome Aggregation Database (gnomAD). The available evidence is insufficient to determine the role of this variant in disease conclusively. Therefore, this variant is classified as a Variant of Uncertain Significance.

GeneDx
Classification: Uncertain significance. Last evaluated: 2018-07-26. Review status: criteria provided, single submitter. Criteria: GeneDx Variant Classification Process June 2021. Collection method: clinical testing. Allele origin: germline. Affected: yes.
Comment: Not observed at a significant frequency in large population cohorts (Lek et al., 2016); In silico analysis, which includes protein predictors and evolutionary conservation, supports that this variant does not alter protein structure/function